The following is an entry in ClinVar:

ClinVar aggregate classification (germline): Uncertain significance (1 of 4 stars; one submission).

Conditions:
Axenfeld-Rieger syndrome type 3 (RIEG3). Also called: AXENFELD-RIEGER ANOMALY WITH CARDIAC DEFECTS AND/OR SENSORINEURAL HEARING LOSS. Identifiers: Orphanet 782, MedGen C2678503, MONDO:0011233, OMIM 602482.

Allele frequency attached by ClinVar (database versions not stated): gnomAD exomes below 0.00001.

Submission:

Labcorp Genetics (formerly Invitae), Labcorp
Classification: Uncertain significance for Axenfeld-Rieger syndrome type 3. Last evaluated: 2024-06-03. Review status: criteria provided, single submitter. Criteria: Invitae Variant Classification Sherloc (09022015). Collection method: clinical testing. Allele origin: germline.
Comment: This sequence change replaces serine, which is neutral and polar, with asparagine, which is neutral and polar, at codon 262 of the FOXC1 protein (p.Ser262Asn). The frequency data for this variant in the population databases is considered unreliable, as metrics indicate poor data quality at this position in the gnomAD database. This variant has not been reported in the literature in individuals affected with FOXC1-related conditions. ClinVar contains an entry for this variant (Variation ID: 2192908). An algorithm developed to predict the effect of missense changes on protein structure and function (PolyPhen-2) suggests that this variant is likely to be tolerated. In summary, the available evidence is currently insufficient to determine the role of this variant in disease. Therefore, it has been classified as a Variant of Uncertain Significance.

NM_001453.3(FOXC1):c.785G>A (p.Ser262Asn)

Gene: FOXC1 (forkhead box C1; plus strand). Cytogenetic location: 6p25.3.
Variant type: single nucleotide variant.
Coding change: c.785G>A on transcript NM_001453.3 (MANE Select); coding-DNA position 785, G replaced by A.
Protein change: p.Ser262Asn; replaces serine 262 with asparagine.
Molecular consequence: missense variant.
Genome position (GRCh38, 1-based): chr6:1,611,230, G>A. VCF-style: chr6-1611230-G-A. GRCh37 (hg19) VCF-style: chr6-1611465-G-A.
Other names: short protein forms S262N.
Identifiers: ClinVar variation 2192908 (VCV002192908.4), dbSNP rs1561675331, ClinGen allele CA362559564.